The following is an entry in ClinVar:

NM_001165963.4(SCN1A):c.1244T>A (p.Ile415Lys)

Gene: SCN1A (sodium voltage-gated channel alpha subunit 1; minus strand). Cytogenetic location: 2q24.3.
Variant type: single nucleotide variant.
Coding change: c.1244T>A on transcript NM_001165963.4 (MANE Select); coding-DNA position 1244, T replaced by A.
Protein change: p.Ile415Lys; replaces isoleucine 415 with lysine.
Molecular consequence: missense variant. On other transcripts: 5 prime UTR variant (1), non-coding transcript variant (1).
Genome position (GRCh38, 1-based): chr2:166,046,903, A>T on the plus strand (T>A on the coding strand, the complement: SCN1A is on the minus strand). VCF-style: chr2-166046903-A-T. GRCh37 (hg19) VCF-style: chr2-166903413-A-T.
Other names: c.1244T>A (NM_001165963.1); c.1244T>A, p.Ile415Lys (NM_001165964.3, NM_001202435.3, NM_001353948.2 and 10 more transcripts); c.-1182T>A (NM_001353961.2); short protein forms I415K.
Identifiers: ClinVar variation 2910148 (VCV002910148.4), dbSNP rs2468181691, ClinGen allele CA349070899.
Genomic context (GRCh38, chr2:166,046,903, plus strand): 5'-TCCAAGGTGGCCTGATTCTGTTCCTCGTAGGCCATGGCCACCACAGCCAGGATCAAATTT[A>T]TTAGGTAGAATGAGCCCAAGAAAATGACCAATACAAAAAATATCATGTACGTTTTCCCAG-3'
Protein context (NP_001159435.1, residues 405-425): LVIFLGSFYL[Ile415Lys]NLILAVVAMA

ClinVar aggregate classification (germline): Pathogenic/Likely pathogenic. Review status: criteria provided, multiple submitters, no conflicts (2 of 4 stars). 2 submissions from 2 submitters: Pathogenic (1); Likely pathogenic (1). Last evaluated 2025-03-07.

Conditions:
Early-infantile DEE. Also called: Early infantile epileptic encephalopathy; Ohtahara syndrome; Early infantile epileptic encephalopathy with suppression bursts. Identifiers: Orphanet 1934, MedGen C0393706, MONDO:0800491.

Submissions (2):

GeneDx
Classification: Likely pathogenic. Last evaluated: 2025-03-07. Review status: criteria provided, single submitter. Criteria: GeneDx Variant Classification Process June 2021. Collection method: clinical testing. Allele origin: germline. Affected: yes.
Comment: This substitution is predicted to be within the transmembrane segment S6 of the first homologous domain; In silico analysis supports that this missense variant has a deleterious effect on protein structure/function; Not observed at significant frequency in large population cohorts (gnomAD); This variant is associated with the following publications: (PMID: 29720203)

Labcorp Genetics (formerly Invitae), Labcorp
Classification: Pathogenic for Early-infantile DEE. Last evaluated: 2023-12-13. Review status: criteria provided, single submitter. Criteria: Invitae Variant Classification Sherloc (09022015). Collection method: clinical testing. Allele origin: germline.
Comment: This sequence change replaces isoleucine, which is neutral and non-polar, with lysine, which is basic and polar, at codon 415 of the SCN1A protein (p.Ile415Lys). This variant is not present in population databases (gnomAD no frequency). This missense change has been observed in individual(s) with developmental and epileptic encephalopathy and/or severe epilepsy (PMID: 29720203; Invitae). In at least one individual the variant was observed to be de novo. Advanced modeling of protein sequence and biophysical properties (such as structural, functional, and spatial information, amino acid conservation, physicochemical variation, residue mobility, and thermodynamic stability) performed at Invitae indicates that this missense variant is expected to disrupt SCN1A protein function with a positive predictive value of 95%. This variant disrupts the p.Ile415 amino acid residue in SCN1A. Other variant(s) that disrupt this residue have been determined to be pathogenic (PMID: 31054490; Invitae). This suggests that this residue is clinically significant, and that variants that disrupt this residue are likely to be disease-causing. For these reasons, this variant has been classified as Pathogenic.

Literature cited by the submitters: PubMed 29720203 (cited by Labcorp Genetics (formerly Invitae), Labcorp); PubMed 31054490 (cited by Labcorp Genetics (formerly Invitae), Labcorp).